The following is an entry in ClinVar:

NM_145861.4(EDARADD):c.199A>T (p.Asn67Tyr)

Gene: EDARADD (EDAR associated via death domain; plus strand). Cytogenetic location: 1q43.
Variant type: single nucleotide variant.
Coding change: c.199A>T on transcript NM_145861.4 (MANE Select); coding-DNA position 199, A replaced by T.
Protein change: p.Asn67Tyr; replaces asparagine 67 with tyrosine.
Molecular consequence: missense variant.
Genome position (GRCh38, 1-based): chr1:236,427,430, A>T. VCF-style: chr1-236427430-A-T. GRCh37 (hg19) VCF-style: chr1-236590730-A-T.
Other names: c.133A>T, p.Asn45Tyr (NM_001422628.1); c.169A>T, p.Asn57Tyr (NM_080738.5); short protein forms N67Y, N57Y, N45Y.
Identifiers: ClinVar variation 572712 (VCV000572712.9), dbSNP rs751704449, ClinGen allele CA1470018.
Genomic context (GRCh38, chr1:236,427,430, plus strand): 5'-TCTTTCTTTTTTTTTTTCCTAGCTGAAGAATGTGATACAATTACTTTGAACTGCCCACGA[A>T]ATTCAGATATGAAAAATCAGGTAAGAATAATTTCAACTATATTTTACCCTTAGGTACATG-3'
Protein context (NP_665860.2, residues 57-77): CDTITLNCPR[Asn67Tyr]SDMKNQGEEN

ClinVar aggregate classification (germline): Uncertain significance (1 of 4 stars; one submission).

Conditions:
Ectodermal dysplasia 11A, hypohidrotic/hair/tooth type, autosomal dominant. Identifiers: Orphanet 1810, Orphanet 238468, MedGen C3541517, MONDO:0013982, OMIM 614940.
Ectodermal dysplasia 11B, hypohidrotic/hair/tooth type, autosomal recessive. Identifiers: Orphanet 238468, Orphanet 248, MedGen C3539920, MONDO:0013983, OMIM 614941.

Allele frequency attached by ClinVar (database versions not stated): gnomAD exomes below 0.00001; TOPMed below 0.00001; ExAC 0.00001; gnomAD 0.00001.
gnomAD v4.1: 1 of 1,612,406 alleles (0.000062%); highest among the groups gnomAD compares: Non-Finnish European, 0.000085%; no homozygotes.

Submission:

Labcorp Genetics (formerly Invitae), Labcorp
Classification: Uncertain significance for Ectodermal dysplasia 11B, hypohidrotic/hair/tooth type, autosomal recessive; Ectodermal dysplasia 11A, hypohidrotic/hair/tooth type, autosomal dominant. Last evaluated: 2024-12-29. Review status: criteria provided, single submitter. Criteria: Invitae Variant Classification Sherloc (09022015). Collection method: clinical testing. Allele origin: germline.
Comment: This sequence change replaces asparagine, which is neutral and polar, with tyrosine, which is neutral and polar, at codon 67 of the EDARADD protein (p.Asn67Tyr). This variant is present in population databases (rs751704449, gnomAD 0.0009%). This variant has not been reported in the literature in individuals affected with EDARADD-related conditions. ClinVar contains an entry for this variant (Variation ID: 572712). An algorithm developed to predict the effect of missense changes on protein structure and function (PolyPhen-2) suggests that this variant is likely to be tolerated. In summary, the available evidence is currently insufficient to determine the role of this variant in disease. Therefore, it has been classified as a Variant of Uncertain Significance.